The following is an entry in ClinVar:

ClinVar aggregate classification (germline): Conflicting classifications of pathogenicity. Review status: criteria provided, conflicting classifications (1 of 4 stars). 5 submissions from 5 submitters: Uncertain significance (1); Likely benign (4). Last evaluated 2025-12-31.

Conditions:
Hereditary cancer-predisposing syndrome. Also called: Neoplastic Syndromes, Hereditary; Tumor predisposition; Hereditary Cancer Syndrome; Hereditary neoplastic syndrome. Identifiers: Orphanet 140162, MedGen C0027672, MeSH D009386, MONDO:0015356.
Familial cancer of breast. Also called: BREAST CANCER, FAMILIAL; Hereditary breast cancer; hereditary breast carcinoma. Identifiers: Orphanet 227535, MedGen C0346153, MONDO:0016419, OMIM 114480. Disease mechanism: loss of function.

gnomAD v4.1: 8 of 86,344 alleles (0.0093%); highest among the groups gnomAD compares: Non-Finnish European, 0.017%; no homozygotes.

Submissions (5):

Labcorp Genetics (formerly Invitae), Labcorp
Classification: Likely benign for Familial cancer of breast. Last evaluated: 2025-12-31. Review status: criteria provided, single submitter. Criteria: Invitae Variant Classification Sherloc (09022015). Collection method: clinical testing. Allele origin: germline.

Myriad Genetics, Inc.
Classification: Likely benign for Familial cancer of breast. Last evaluated: 2024-07-19. Review status: criteria provided, single submitter. Criteria: Myriad Autosomal Dominant, Autosomal Recessive and X-Linked Classification Criteria (2023). Collection method: clinical testing. Allele origin: unknown.
Comment: This variant is considered likely benign. This variant is intronic and is not expected to impact mRNA splicing.

Blueprint Genetics
Classification: Likely benign. Last evaluated: 2024-05-21. Review status: criteria provided, single submitter. Criteria: ACMG Guidelines, 2015. Collection method: clinical testing. Allele origin: germline.

Illumina Laboratory Services, Illumina
Classification: Uncertain significance for Familial cancer of breast. Last evaluated: 2018-01-13. Review status: criteria provided, single submitter. Criteria: ICSL Variant Classification Criteria 13 December 2019. Collection method: clinical testing. Allele origin: germline.

Color Diagnostics, LLC DBA Color Health
Classification: Likely benign for Hereditary cancer-predisposing syndrome. Last evaluated: 2017-01-17. Review status: criteria provided, single submitter. Criteria: ACMG Guidelines, 2015. Collection method: clinical testing. Allele origin: germline.

NM_000465.4(BARD1):c.216-14T>C

Gene: BARD1 (BRCA1 associated RING domain 1; minus strand). Cytogenetic location: 2q35.
Variant type: single nucleotide variant.
Coding change: c.216-14T>C on transcript NM_000465.4 (MANE Select); 14 bases into the intron before coding-DNA position 216, T replaced by C.
Molecular consequence: intron variant.
Genome position (GRCh38, 1-based): chr2:214,792,459, A>G on the plus strand (T>C on the coding strand, the complement: BARD1 is on the minus strand). VCF-style: chr2-214792459-A-G. GRCh37 (hg19) VCF-style: chr2-215657183-A-G.
Other names: c.216-14T>C (LRG_297t1, NM_001282549.2); c.158+16953T>C (NM_001282548.2); c.159-14T>C (NM_001282543.2); c.215+4602T>C (NM_001282545.2).
Identifiers: ClinVar variation 334197 (VCV000334197.17), dbSNP rs775103922, ClinGen allele CA2090471.